The following is an entry in ClinVar:

ClinVar aggregate classification (germline): Pathogenic. Review status: criteria provided, multiple submitters, no conflicts (2 of 4 stars). 2 submissions from 2 submitters: Pathogenic (2). Last evaluated 2024-10-25.

Conditions:
Inborn genetic diseases. Identifiers: MedGen C0950123, MeSH D030342.
L-2-hydroxyglutaric aciduria (L2HGA). Identifiers: Orphanet 79314, MedGen C1855995, MONDO:0009370, OMIM 236792, HP:0040144.

Allele frequency attached by ClinVar (database versions not stated): TOPMed below 0.00001; gnomAD exomes below 0.00001.
gnomAD v4.1: 1 of 1,609,792 alleles (0.000062%); highest among the groups gnomAD compares: Non-Finnish European, 0.000085%; no homozygotes.

Submissions (2):

Ambry Genetics
Classification: Pathogenic for Inborn genetic diseases. Last evaluated: 2024-10-25. Review status: criteria provided, single submitter. Criteria: Ambry Variant Classification Scheme 2023. Collection method: clinical testing. Allele origin: germline.
Comment: The c.1A>G (p.M1?) alteration is located in coding exon 1 of the L2HGDH gene and consists of a A to G substitution at nucleotide position 1. This alters the methionine residue at the initiation codon (ATG). Sequence variations that modify the initiation codon are expected to result in either loss of translation initiation, N-terminal truncation, or cause a shift in the mRNA reading frame. This variant was not reported in population-based cohorts in the Genome Aggregation Database (gnomAD). This variant has been identified in the homozygous state in individuals with features consistent with L-2-hydroxyglutaric aciduria (Sheth, 2024; Steenweg, 2010). This amino acid position is highly conserved in available vertebrate species. Based on the available evidence, this alteration is classified as pathogenic.

Foundation for Research in Genetics and Endocrinology, FRIGE's Institute of Human Genetics
Classification: Pathogenic for L-2-hydroxyglutaric aciduria. Last evaluated: 2021-10-30. Review status: criteria provided, single submitter. Criteria: ACMG Guidelines, 2015. Collection method: clinical testing. Allele origin: biparental. Inheritance: Autosomal recessive inheritance. Affected: yes. Observed: 1 homozygote.
Comment: A homozygous start loss variation in exon 1 of the L2HGDH gene that alters the ATG start codon and consequently affects its translation was detected. The observed variant c.1A>G has not been reported in the 1000 genomes and gnomAD database. The in-silico prediction of the variant is damaging by SIFT and MutationTaster2. The reference codon is conserved across species. The segregation analysis showed this variant to be of biparental origin. In summary, the variant meets our criteria to be classified as a pathogenic variant.

Literature cited by the submitters: PubMed 20052767 (cited by Ambry Genetics); PubMed 39138584 (cited by Ambry Genetics).

NM_024884.3(L2HGDH):c.1A>G (p.Met1Val)

Genes: DMAC2L (distal membrane arm assembly component 2 like; plus strand), L2HGDH (L-2-hydroxyglutarate dehydrogenase; minus strand). Cytogenetic location: 14q21.3.
Variant type: single nucleotide variant.
Coding change: c.1A>G on transcript NM_024884.3 (MANE Select); coding-DNA position 1, A replaced by G.
Protein change: p.Met1Val; changes the start codon (methionine 1).
Molecular consequence: missense variant, initiator codon variant. On other transcripts: 5 prime UTR variant (6), intron variant (1).
Genome position (GRCh38, 1-based): chr14:50,312,150, T>C on the plus strand (A>G on the coding strand, the complement: L2HGDH is on the minus strand). VCF-style: chr14-50312150-T-C. GRCh37 (hg19) VCF-style: chr14-50778868-T-C.
Other names: p.Met1?; c.1A>G (NM_024884.2); c.1A>G, p.Met1Val (NM_001425212.1); c.-254A>G (NM_001425213.1, NM_001425214.1); c.-768A>G (NM_001425215.1); c.-610A>G (NM_001425216.1); c.-703A>G (NM_001425217.1); c.-625A>G (NM_001425218.1); and 1 more; short protein forms M1V.
Identifiers: ClinVar variation 1342871 (VCV001342871.7), dbSNP rs1477101414, ClinGen allele CA389648968.
Genomic context (GRCh38, chr14:50,312,150, plus strand): 5'-CGGCGAAAAGCCCGCGGGCCCGTCCGCAGGCACCAACCAAATAACGCAGCGCTGGCACCA[T>C]CCCCTACGCACGCTCCCCTCCCTCAGCGCTCAGAAGAAGCCACTTGACCCTCCACGGCCG-3'
Protein context (NP_079160.1, residues 1-11): [Met1Val]VPALRYLVGA